The following is an entry in ClinVar:

ClinVar aggregate classification (germline): Likely benign (1 of 4 stars; one submission).

Allele frequency attached by ClinVar (database versions not stated): 1000 Genomes Project 0.00140; 1000 Genomes Project 30x 0.00156; TOPMed 0.00335; gnomAD 0.00344; ExAC 0.00354; ESP Exome Variant Server 0.00409; gnomAD exomes 0.00492.

Submission:

CeGaT Center for Human Genetics Tuebingen
Classification: Likely benign. Last evaluated: 2022-12-01. Review status: criteria provided, single submitter. Criteria: CeGaT Center For Human Genetics Tuebingen Variant Classification Criteria Version 2. Collection method: clinical testing. Allele origin: germline. Affected: yes. Observed: 1 variant allele.
Comment: MUC16: BP4, BS2

NM_001401501.2(MUC16):c.17743A>G (p.Thr5915Ala)

Gene: MUC16 (mucin 16, cell surface associated; minus strand). Cytogenetic location: 19p13.2.
Variant type: single nucleotide variant.
Coding change: c.17743A>G on transcript NM_001401501.2 (MANE Select); coding-DNA position 17743, A replaced by G.
Protein change: p.Thr5915Ala; replaces threonine 5915 with alanine.
Molecular consequence: missense variant.
Genome position (GRCh38, 1-based): chr19:8,959,147, T>C on the plus strand (A>G on the coding strand, the complement: MUC16 is on the minus strand). VCF-style: chr19-8959147-T-C. GRCh37 (hg19) VCF-style: chr19-9069823-T-C.
Other names: c.18169A>G, p.Thr6057Ala (NM_001414686.1); c.17623A>G, p.Thr5875Ala (NM_001414687.1, NM_024690.2); short protein forms T5875A, T5915A, T6057A.
Identifiers: ClinVar variation 2649252 (VCV002649252.24), dbSNP rs1862459, ClinGen allele CA9169877.